The following is an entry in ClinVar:

ClinVar aggregate classification (germline): Pathogenic (1 of 4 stars; one submission).

Conditions:
SDHA-related disorder. Also called: SDHA-related condition; SDHA-related disorders.

Submission:

PreventionGenetics, part of Exact Sciences
Classification: Pathogenic for SDHA-related condition. Last evaluated: 2025-09-15. Review status: criteria provided, single submitter. Criteria: ACMG Guidelines, 2015. Collection method: clinical testing. Allele origin: germline.
Comment: The SDHA c.1503delT variant is predicted to result in a frameshift and premature protein termination (p.Phe501Leufs*6). To our knowledge, this variant has not been reported in the literature or in a large population database (gnomAD), indicating this variant is rare. At the time of reporting, this variant is absent from the ClinVar database. Frameshift variants in SDHA are expected to be pathogenic. This variant is interpreted as pathogenic.

NM_004168.4(SDHA):c.1503del (p.Phe501fs)

Gene: SDHA (succinate dehydrogenase complex flavoprotein subunit A; plus strand). Cytogenetic location: 5p15.33.
Variant type: Deletion.
Coding change: c.1503del on transcript NM_004168.4 (MANE Select); coding-DNA position 1503, one base deleted (T; older notation c.1503delT).
Protein change: p.Phe501fs; shifts the reading frame from phenylalanine 501.
Molecular consequence: frameshift variant.
Genome position (GRCh38, 1-based): chr5:240,428, T deleted; the last of 3 consecutive T bases (chr5:240,426-240,428); deleting any one gives the same sequence. VCF-style (leftmost placement, unchanged base first): chr5-240425-AT-A. GRCh37 (hg19) VCF-style: chr5-240540-AT-A.
Other names: c.1359del, p.Phe453fs (NM_001294332.2); c.1503del, p.Phe501fs (NM_001330758.2); short protein forms F453fs, F501fs.
Identifiers: ClinVar variation 4994480 (VCV004994480.1).